The following is an entry in ClinVar:

ClinVar aggregate classification (germline): Pathogenic/Likely pathogenic. Review status: criteria provided, multiple submitters, no conflicts (2 of 4 stars). 2 submissions from 2 submitters: Pathogenic (1); Likely pathogenic (1). Last evaluated 2025-03-14.

Conditions:
VPS13A-related neurodegenerative disease. Also called: VPS13A Disease; Choreaacanthocytosis; Chorea-acanthocytosis; LEVINE-CRITCHLEY SYNDROME; Choreoacanthocytosis; ACANTHOCYTOSIS WITH NEUROLOGIC DISORDER. Identifiers: Orphanet 2388, MedGen C0393576, MONDO:0008695, OMIM 200150.

Submissions (2):

Variantyx, Inc.
Classification: Likely pathogenic for VPS13A-related neurodegenerative disease. Last evaluated: 2025-03-14. Review status: criteria provided, single submitter. Criteria: Variantyx Assertion Criteria 2022. Collection method: clinical testing. Allele origin: germline.
Comment: This is a frameshift variant in the VPS13A gene (OMIM: 605978). Pathogenic variants in this gene have been associated with autosomal recessive choreoacanthocytosis. This variant introduces a premature termination codon in exon 15 out of 72. It is expected to result in loss of function, which is a known disease mechanism for VPS13A in this disorder (PMID: 11381253, 27400454, 12404112) (PVS1). This variant is absent from control populations (PM2_Supporting). Based on the current evidence, this variant is classified as likely pathogenic for autosomal recessive choreoacanthocytosis.

Labcorp Genetics (formerly Invitae), Labcorp
Classification: Pathogenic. Last evaluated: 2023-07-19. Review status: criteria provided, single submitter. Criteria: Invitae Variant Classification Sherloc (09022015). Collection method: clinical testing. Allele origin: germline.
Comment: For these reasons, this variant has been classified as Pathogenic. ClinVar contains an entry for this variant (Variation ID: 941009). This variant has not been reported in the literature in individuals affected with VPS13A-related conditions. This variant is present in population databases (no rsID available, gnomAD 0.003%). This sequence change creates a premature translational stop signal (p.Trp435Cysfs*24) in the VPS13A gene. It is expected to result in an absent or disrupted protein product. Loss-of-function variants in VPS13A are known to be pathogenic (PMID: 12404112, 21598378).

Literature cited by the submitters: PubMed 12404112 (cited by Labcorp Genetics (formerly Invitae), Labcorp); PubMed 21598378 (cited by Labcorp Genetics (formerly Invitae), Labcorp).

NM_033305.3(VPS13A):c.1305del (p.Trp435fs)

Gene: VPS13A (vacuolar protein sorting 13 homolog A; plus strand). Cytogenetic location: 9q21.2.
Variant type: Deletion.
Coding change: c.1305del on transcript NM_033305.3 (MANE Select); coding-DNA position 1305, one base deleted (G; older notation c.1305delG).
Protein change: p.Trp435fs; shifts the reading frame from tryptophan 435.
Molecular consequence: frameshift variant.
Genome position (GRCh38, 1-based): chr9:77,226,546, G deleted; the last of 2 consecutive G bases (chr9:77,226,545-77,226,546); deleting either gives the same sequence. VCF-style (leftmost placement, unchanged base first): chr9-77226544-TG-T. GRCh37 (hg19) VCF-style: chr9-79841460-TG-T.
Other names: c.1305del, p.Trp435fs (NM_001018037.2, NM_001018038.3, NM_015186.4); short protein forms W435fs.
Identifiers: ClinVar variation 941009 (VCV000941009.7), dbSNP rs1564645568, ClinGen allele CA588479397.